The following is an entry in ClinVar:

ClinVar aggregate classification (germline): Pathogenic (1 of 4 stars; one submission).

Submission:

Quest Diagnostics Nichols Institute San Juan Capistrano
Classification: Pathogenic. Last evaluated: 2024-09-30. Review status: criteria provided, single submitter. Criteria: ACMG/ClinGen CNV Guidelines, 2019. Collection method: clinical testing. Allele origin: unknown.
Comment: The deletion of 2q31.3q33.1 involves at least 92 protein-coding genes, including three genes that are considered haploinsufficient: NCKAP1 (OMIM 604891), COL3A1 (OMIM 120180), and SATB2 (OMIM 608148). Haploinsufficiency of NCKAP1 (CCID:007524) has been associated with an autosomal dominant complex neurodevelopmental disorder (Guo 2020). Haploinsufficiency of COL3A1 (CCID:006906) is associated with autosomal dominant vascular-type Ehlers-Danlos syndrome (EDSVASC; OMIM 130050; HGNC:2201). Full gene deletions of COL3A1 have been reported in individuals with a relatively milder course of disease and less prevalent diagnostic criteria (Frank 2015, Legrand 2019, Meienberg 2010, Stephens 2022). Haploinsufficiency of SATB2 (CCID:007802) is associated with autosomal dominant Glass syndrome (GLASS; OMIM 612313). Furthermore, individuals with deletions of 2q33.1 which involve SATB2 and lie within the current copy number loss interval have been reported (Balasubramanian 2011, Zarate 2021). Thus, this copy number variant (CNV) is classified as pathogenic. References: Balasubramanian et al., J Med Genet. 2011 May;48(5):290-8. PMID: 21343628 Frank et al., Eur J Hum Genet. 2015 Dec;23(12):1657-64. PMID: 25758994 Guo et al., Am J Hum Genet. 2020 Nov 5;107(5):963-976. PMID: 33157009 Legrand et al., Genet Med. 2019 Jul;21(7):1568-1575. PMID: 30474650 Meienberg et al., Eur J Hum Genet. 2010 Dec;18(12):1315-21. PMID: 20648054 Stephens et al., Genet Med. 2022 Oct;24(10):2134-2143. PMID: 35984436 Zarate et al., Clin Genet. 2021 Apr;99(4):547-557. PMID: 33381861

GRCh37/hg19 2q31.3-33.1(chr2:181362315-202911548)x1

Genes: AKAP19 (A-kinase anchoring protein 19; plus strand), ALS2 (alsin Rho guanine nucleotide exchange factor ALS2; minus strand), ANKAR (ankyrin and armadillo repeat containing; plus strand), ANKRD44 (ankyrin repeat domain 44; minus strand), AOX1 (aldehyde oxidase 1; plus strand) and 87 more. Cytogenetic location: 2q31.3-33.1.
Variant type: copy number loss.
Change: copy number 1 (one copy instead of two) of chr2:181,362,315-202,911,548 (21.55 Mb, GRCh37 coordinates, 1-based), cytogenetic band 2q31.3-33.1.
Identifiers: ClinVar variation 4682545 (VCV004682545.1).